The following is an entry in ClinVar:

ClinVar aggregate classification (germline): Benign/Likely benign. Review status: criteria provided, multiple submitters, no conflicts (2 of 4 stars). 2 submissions from 2 submitters: Benign (1); Likely benign (1). Last evaluated 2026-02-02.

Conditions:
Autosomal recessive congenital ichthyosis 3 (ARCI3). Also called: ICHTHYOSIS, LAMELLAR, 5. Identifiers: MedGen C3539888, MONDO:0011680, OMIM 606545.

Allele frequency attached by ClinVar (database versions not stated): gnomAD exomes 0.00177; ExAC 0.00178; gnomAD 0.00273 and 0.00289; 1000 Genomes Project 0.00280; 1000 Genomes Project 30x 0.00297; ESP Exome Variant Server 0.00300; TOPMed 0.00308.
gnomAD v4.1: 1,875 of 1,613,756 alleles (0.12%); highest among the groups gnomAD compares: African/African-American, 0.75%; 21 homozygotes.

Submissions (2):

Labcorp Genetics (formerly Invitae), Labcorp
Classification: Benign. Last evaluated: 2026-02-02. Review status: criteria provided, single submitter. Criteria: Invitae Variant Classification Sherloc (09022015). Collection method: clinical testing. Allele origin: germline.

Illumina Laboratory Services, Illumina
Classification: Likely benign for Autosomal recessive congenital ichthyosis 3. Last evaluated: 2018-01-12. Review status: criteria provided, single submitter. Criteria: ICSL Variant Classification Criteria 13 December 2019. Collection method: clinical testing. Allele origin: germline.
Comment: This variant was observed in the ICSL laboratory as part of a predisposition screen in an ostensibly healthy population. It had not been previously curated by ICSL or reported in the Human Gene Mutation Database (HGMD: prior to June 1st, 2018), and was therefore a candidate for classification through an automated scoring system. Utilizing variant allele frequency, disease prevalence and penetrance estimates, and inheritance mode, an automated score was calculated to assess if this variant is too frequent to cause the disease. Based on the score and internal cut-off values, a variant classified as likely benign is not then subjected to further curation. The score for this variant resulted in a classification of likely benign for this disease.

NM_021628.3(ALOXE3):c.1786-10G>A

Gene: ALOXE3 (arachidonate epidermal lipoxygenase 3; minus strand). Cytogenetic location: 17p13.1.
Variant type: single nucleotide variant.
Coding change: c.1786-10G>A on transcript NM_021628.3 (MANE Select); 10 bases into the intron before coding-DNA position 1786, G replaced by A.
Molecular consequence: intron variant.
Genome position (GRCh38, 1-based): chr17:8,103,503, C>T on the plus strand (G>A on the coding strand, the complement: ALOXE3 is on the minus strand). VCF-style: chr17-8103503-C-T. GRCh37 (hg19) VCF-style: chr17-8006821-C-T.
Other names: c.2182-10G>A (NM_001165960.1); c.1783-10G>A (NM_001369446.1).
Identifiers: ClinVar variation 325959 (VCV000325959.11), dbSNP rs148606343, ClinGen allele CA8367939.